The following is an entry in ClinVar:

ClinVar aggregate classification (germline): Likely benign (1 of 4 stars; one submission).

Submission:

GeneDx
Classification: Likely benign. Last evaluated: 2021-02-24. Review status: criteria provided, single submitter. Criteria: GeneDx Variant Classification Process June 2021. Collection method: clinical testing. Allele origin: germline. Affected: yes.
Comment: See Variant Classification Assertion Criteria.

NM_001039141.3(TRIOBP):c.837C>G (p.Ser279=)

Gene: TRIOBP (TRIO and F-actin binding protein; plus strand). Cytogenetic location: 22q13.1.
Variant type: single nucleotide variant.
Coding change: c.837C>G on transcript NM_001039141.3 (MANE Select); coding-DNA position 837, C replaced by G.
Protein change: p.Ser279=; no amino-acid change (serine 279 retained).
Molecular consequence: synonymous variant.
Genome position (GRCh38, 1-based): chr22:37,723,393, C>G. VCF-style: chr22-37723393-C-G. GRCh37 (hg19) VCF-style: chr22-38119400-C-G.
Identifiers: ClinVar variation 3340945 (VCV003340945.1).